The following is an entry in ClinVar:

ClinVar aggregate classification (germline): Likely benign. Review status: criteria provided, single submitter (1 of 4 stars). 2 submissions from 2 submitters: Likely benign (1). 1 of the submissions does not count toward it. Last evaluated 2025-09-29.

Conditions:
Hereditary spastic paraplegia 63. Also called: Spastic paraplegia 63, autosomal recessive. Identifiers: Orphanet 401805, MedGen C3810295, MONDO:0014305, OMIM 615686.
Pontocerebellar hypoplasia type 9. Identifiers: Orphanet 369920, MedGen C4014354, MONDO:0014351, OMIM 615809.
AMPD2-related disorder. Also called: AMPD2-related condition.

Allele frequency attached by ClinVar (database versions not stated): gnomAD 0.00003; TOPMed 0.00002; gnomAD exomes 0.00005; ExAC 0.00015.
gnomAD v4.1: 84 of 1,614,000 alleles (0.0052%); highest among the groups gnomAD compares: South Asian, 0.046%; 1 homozygote.

Submissions (2):

Labcorp Genetics (formerly Invitae), Labcorp
Classification: Likely benign for Pontocerebellar hypoplasia type 9; Hereditary spastic paraplegia 63. Last evaluated: 2025-09-29. Review status: criteria provided, single submitter. Criteria: Invitae Variant Classification Sherloc (09022015). Collection method: clinical testing. Allele origin: germline.

PreventionGenetics, part of Exact Sciences
Classification: Likely benign for AMPD2-related condition. Last evaluated: 2019-05-08. Review status: no assertion criteria provided. Collection method: clinical testing. Allele origin: germline. Not counted in ClinVar's aggregate classification.
Comment: This variant is classified as likely benign based on ACMG/AMP sequence variant interpretation guidelines (Richards et al. 2015 PMID: 25741868, with internal and published modifications).

NM_001368809.2(AMPD2):c.1146G>A (p.Arg382=)

Genes: AMPD2 (adenosine monophosphate deaminase 2; plus strand), LOC126805822 (BRD4-independent group 4 enhancer GRCh37_chr1:110170748-110171947; plus strand). Cytogenetic location: 1p13.3.
Variant type: single nucleotide variant.
Coding change: c.1146G>A on transcript NM_001368809.2 (MANE Select); coding-DNA position 1146, G replaced by A.
Protein change: p.Arg382=; no amino-acid change (arginine 382 retained).
Molecular consequence: synonymous variant.
Genome position (GRCh38, 1-based): chr1:109,628,148, G>A. VCF-style: chr1-109628148-G-A. GRCh37 (hg19) VCF-style: chr1-110170770-G-A.
Other names: c.1308G>A (NM_001257360.1); c.954G>A, p.Arg318= (NM_001257361.2); c.1083G>A, p.Arg361= (NM_001308170.1); c.1146G>A, p.Arg382= (NM_004037.9); c.1065G>A, p.Arg355= (NM_139156.4).
Identifiers: ClinVar variation 1986137 (VCV001986137.6), dbSNP rs773353386, ClinGen allele CA993033.